The following is an entry in ClinVar:

NM_001082486.2(ACD):c.797T>C (p.Ile266Thr)

Gene: ACD (ACD shelterin complex subunit and telomerase recruitment factor; minus strand). Cytogenetic location: 16q22.1.
Variant type: single nucleotide variant.
Coding change: c.797T>C on transcript NM_001082486.2 (MANE Select); coding-DNA position 797, T replaced by C.
Protein change: p.Ile266Thr; replaces isoleucine 266 with threonine.
Molecular consequence: missense variant. On other transcripts: intron variant (1).
Genome position (GRCh38, 1-based): chr16:67,658,587, A>G on the plus strand (T>C on the coding strand, the complement: ACD is on the minus strand). VCF-style: chr16-67658587-A-G. GRCh37 (hg19) VCF-style: chr16-67692490-A-G.
Other names: c.788T>C, p.Ile263Thr (NM_022914.3); c.742+133T>C (NM_001410884.1); short protein forms I263T, I266T.
Identifiers: ClinVar variation 3261580 (VCV003261580.1).
Genomic context (GRCh38, chr16:67,658,587, plus strand): 5'-AGTGCCTGTGACCTGTGCATCACCTCACCTGAGGAACTGGGTGAGGAAGGAGGAGAGGCT[A>G]TGAGGGTCAGAGATAGGTCCTGCAGAGCCGGGTCTGGTGGGGGCAGCTCAGGGCCTGGGG-3'
Protein context (NP_001075955.2, residues 256-276): PALQDLSLTL[Ile266Thr]ASPPSSPSSS

ClinVar aggregate classification (germline): Uncertain significance (1 of 4 stars; one submission).

Conditions:
Inborn genetic diseases. Identifiers: MedGen C0950123, MeSH D030342.

gnomAD v4.1: 3 of 1,573,826 alleles (0.00019%); highest among the groups gnomAD compares: South Asian, 0.0012%; no homozygotes.

Submission:

Ambry Genetics
Classification: Uncertain significance for Inborn genetic diseases. Last evaluated: 2024-06-18. Review status: criteria provided, single submitter. Criteria: Ambry Variant Classification Scheme 2023. Collection method: clinical testing. Allele origin: germline.
Comment: The p.I352T variant (also known as c.1055T>C), located in coding exon 9 of the ACD gene, results from a T to C substitution at nucleotide position 1055. The isoleucine at codon 352 is replaced by threonine, an amino acid with similar properties. This amino acid position is conserved. In addition, this alteration is predicted to be tolerated by in silico analysis. Based on the available evidence, the clinical significance of this variant remains unclear.